The following is an entry in ClinVar:

ClinVar aggregate classification (germline): Pathogenic (1 of 4 stars; one submission).

Submission:

ISCA site 4
Classification: Pathogenic. Last evaluated: 2011-08-12. Review status: criteria provided, single submitter. Criteria: Kaminsky et al. (Genet Med. 2011). Collection method: clinical testing. Allele origin: unknown. Affected: yes. Observed: 1 variant allele.
Comment: Copy number variation identified through the course of routine clinical cytogenomic testing in postnatal populations. Clinical assertions have been curated as described in Kaminsky et al. 2011.

GRCh38/hg38 2p25.3(chr2:30341-507042)x3

Genes: ACP1 (acid phosphatase 1; plus strand), ALKAL2 (ALK and LTK ligand 2; minus strand), FAM110C (family with sequence similarity 110 member C; minus strand), LINC01865 (long intergenic non-protein coding RNA 1865; plus strand), LINC01874 (long intergenic non-protein coding RNA 1874; minus strand) and 15 more. Cytogenetic location: 2p25.3.
Variant type: copy number gain.
Change: copy number 3 (three copies instead of two) of chr2:30,341-507,042 (476.7 kb, GRCh38 coordinates, 1-based), cytogenetic band 2p25.3.
Identifiers: ClinVar variation 160975 (VCV000160975.1).